The following is an entry in ClinVar:

NM_004815.4(ARHGAP29):c.2585T>C (p.Ile862Thr)

Gene: ARHGAP29 (Rho GTPase activating protein 29; minus strand). Cytogenetic location: 1p22.1.
Variant type: single nucleotide variant.
Coding change: c.2585T>C on transcript NM_004815.4 (MANE Select); coding-DNA position 2585, T replaced by C.
Protein change: p.Ile862Thr; replaces isoleucine 862 with threonine.
Molecular consequence: missense variant.
Genome position (GRCh38, 1-based): chr1:94,178,063, A>G on the plus strand (T>C on the coding strand, the complement: ARHGAP29 is on the minus strand). VCF-style: chr1-94178063-A-G. GRCh37 (hg19) VCF-style: chr1-94643619-A-G.
Other names: c.2585T>C, p.Ile862Thr (NM_001328664.2); c.2393T>C, p.Ile798Thr (NM_001328665.2, NM_001328667.2); c.2558T>C, p.Ile853Thr (NM_001328666.2); short protein forms I798T, I853T, I862T.
Identifiers: ClinVar variation 4527031 (VCV004527031.1).
Genomic context (GRCh38, chr1:94,178,063, plus strand): 5'-GAGTAAGTAATGAGAAACTCTACCAAGCGTGCTTGATTTGAATACTCTGCAAGGGAGGAG[A>G]TGGTGATAGGAGCAGTTGTGGGCCTTGGCCTAATGAGACTTGGTCCAAATATCACCCCCA-3'
Protein context (NP_004806.3, residues 852-872): RPRPTTAPIT[Ile862Thr]SSLAEYSNQA

ClinVar aggregate classification (germline): Uncertain significance (1 of 4 stars; one submission).

gnomAD v4.1: 82 of 1,614,062 alleles (0.0051%); highest among the groups gnomAD compares: Non-Finnish European, 0.0067%; no homozygotes.

Submission:

GeneDx
Classification: Uncertain significance. Last evaluated: 2025-04-23. Review status: criteria provided, single submitter. Criteria: GeneDx Variant Classification Process June 2021. Collection method: clinical testing. Allele origin: germline. Affected: yes.
Comment: Reported as an inherited variant in a patient from a cohort of individuals with isolated congenital heart defects in published literature who harbored variants in several additional genes (PMID: 35885997); In silico analysis supports that this missense variant has a deleterious effect on protein structure/function; Not observed at significant frequency in large population cohorts (gnomAD); This variant is associated with the following publications: (PMID: 35885997)